The following is an entry in ClinVar:

ClinVar aggregate classification (germline): Likely benign (0 of 4 stars; one submission).

Conditions:
TSPEAR-related disorder. Also called: TSPEAR-related condition.

Allele frequency attached by ClinVar (database versions not stated): ExAC 0.00002; gnomAD 0.00004; ESP Exome Variant Server 0.00008.
gnomAD v4.1: 12 of 1,612,004 alleles (0.00074%); highest among the groups gnomAD compares: African/African-American, 0.016%; no homozygotes.

Submission:

PreventionGenetics, part of Exact Sciences
Classification: Likely benign for TSPEAR-related condition. Last evaluated: 2019-04-04. Review status: no assertion criteria provided. Collection method: clinical testing. Allele origin: germline.
Comment: This variant is classified as likely benign based on ACMG/AMP sequence variant interpretation guidelines (Richards et al. 2015 PMID: 25741868, with internal and published modifications).

NM_144991.3(TSPEAR):c.345C>T (p.Asp115=)

Gene: TSPEAR (thrombospondin type laminin G domain and EAR repeats; minus strand). Cytogenetic location: 21q22.3.
Variant type: single nucleotide variant.
Coding change: c.345C>T on transcript NM_144991.3 (MANE Select); coding-DNA position 345, C replaced by T.
Protein change: p.Asp115=; no amino-acid change (aspartic acid 115 retained).
Molecular consequence: synonymous variant.
Genome position (GRCh38, 1-based): chr21:44,533,882, G>A on the plus strand (C>T on the coding strand, the complement: TSPEAR is on the minus strand). VCF-style: chr21-44533882-G-A. GRCh37 (hg19) VCF-style: chr21-45953765-G-A.
Other names: c.141C>T, p.Asp47= (NM_001272037.2).
Identifiers: ClinVar variation 3047189 (VCV003047189.2), dbSNP rs375345671, ClinGen allele CA10057050.